The following is an entry in ClinVar:

NM_000138.5(FBN1):c.185G>A (p.Arg62His)

Gene: FBN1 (fibrillin 1; minus strand). Cytogenetic location: 15q21.1.
Variant type: single nucleotide variant.
Coding change: c.185G>A on transcript NM_000138.5 (MANE Select); coding-DNA position 185, G replaced by A.
Protein change: p.Arg62His; replaces arginine 62 with histidine.
Molecular consequence: missense variant.
Genome position (GRCh38, 1-based): chr15:48,613,072, C>T on the plus strand (G>A on the coding strand, the complement: FBN1 is on the minus strand). VCF-style: chr15-48613072-C-T. GRCh37 (hg19) VCF-style: chr15-48905269-C-T.
Other names: short protein forms R62H.
Identifiers: ClinVar variation 42296 (VCV000042296.42), dbSNP rs145942328, ClinGen allele CA012618.

ClinVar aggregate classification (germline): Conflicting classifications of pathogenicity. Review status: criteria provided, conflicting classifications (1 of 4 stars). 13 submissions from 13 submitters: Uncertain significance (10); Benign (1); Likely benign (1). 1 of the submissions does not count toward it. Last evaluated 2025-12-29.

Conditions:
Congenital aneurysm of ascending aorta (AAT1). Also called: AORTIC ANEURYSM, FAMILIAL THORACIC 1; ANNULOAORTIC ECTASIA; Familial thoracic aortic aneurysm; Aortic aneurysm, thoracic. Identifiers: Orphanet 229, MedGen C0345050, MONDO:0024559, OMIM 607086.
Acute aortic dissection. Identifiers: MedGen C0241868.
Marfan syndrome (MFS). Also called: FBN1-Related Marfan Syndrome; Marfan syndrome, classic; MARFAN SYNDROME, TYPE I; Marfan syndrome type 1; Marfan's syndrome. Identifiers: Orphanet 284963, Orphanet 558, MedGen C0024796, MONDO:0007947, OMIM 154700.
Familial thoracic aortic aneurysm and aortic dissection (TAAD). Also called: Thoracic aortic aneurysms and dissections. Identifiers: Orphanet 91387, MedGen C4707243, MONDO:0019625.
FBN1-related disorder. Also called: FBN1-related disorders.

Allele frequency attached by ClinVar (database versions not stated): gnomAD exomes 0.00006; ESP Exome Variant Server 0.00008; ExAC 0.00006; gnomAD 0.00012; TOPMed 0.00012.

Submissions (13):

PreventionGenetics, part of Exact Sciences
Classification: Uncertain significance for FBN1-related condition. Last evaluated: 2025-12-29. Review status: criteria provided, single submitter. Criteria: ACMG Guidelines, 2015. Collection method: clinical testing. Allele origin: germline.
Comment: The FBN1 c.185G>A variant is predicted to result in the amino acid substitution p.Arg62His. This variant has been reported in individuals with suspected Marfan syndrome or thoracic aorta aneurysm (Suppl. Table S1 and S6, Lerner-Ellis et al. 2014. PubMed ID: 24793577; Additional file 1, Becerra-Muñoz et al. 2018. PubMed ID: 29357934; Table S16, Jensson et al. 2023. PubMed ID: 37937776). This variant is reported in 0.016% of alleles in individuals of African descent in gnomAD, which may be too frequent to be a primary cause of disease. Alternate nucleotide changes affecting the same amino acid (p.Arg62Cys, p.Arg62Ser) have been reported in individuals with ectopia lentis or Marfan syndrome (Described as R114C, Korkko et al. 2002. PubMed ID: 11826022; Chen et al. 2021. PubMed ID: 34818515; Table S1, Guo et al. 2024. PubMed ID: 38190127). At this time, the clinical significance of this variant is uncertain due to the absence of conclusive functional and genetic evidence.

Labcorp Genetics (formerly Invitae), Labcorp
Classification: Likely benign for Marfan syndrome; Familial thoracic aortic aneurysm and aortic dissection. Last evaluated: 2025-10-27. Review status: criteria provided, single submitter. Criteria: Invitae Variant Classification Sherloc (09022015). Collection method: clinical testing. Allele origin: germline.

Ambry Genetics
Classification: Benign for Familial thoracic aortic aneurysm and aortic dissection. Last evaluated: 2025-08-22. Review status: criteria provided, single submitter. Criteria: Ambry Variant Classification Scheme 2023. Collection method: clinical testing. Allele origin: germline.

GeneDx
Classification: Uncertain significance. Last evaluated: 2025-07-11. Review status: criteria provided, single submitter. Criteria: GeneDx Variant Classification Process June 2021. Collection method: clinical testing. Allele origin: germline. Affected: yes.
Comment: Has been previously observed in individuals referred for Marfan or Marfan-like syndromes and in a patient with tricuspid aortic valve (PMID: 24793577, 26621581, 29357934); In silico analysis supports that this missense variant has a deleterious effect on protein structure/function; Does not affect a cysteine or calcium-binding residue within an EGF-like domain or a TGF-binding protein domain of the FBN1 gene; cysteine substitutions in the EGF-like domains represent the majority of pathogenic missense changes associated with FBN1-related disorders (PMID: 12938084); This variant is associated with the following publications: (PMID: 24793577, 22102435, 26621581, 29357934, 37937776, 28659821, 12938084)

Genomic Medicine Center of Excellence, King Faisal Specialist Hospital and Research Centre
Classification: Uncertain significance for Marfan syndrome. Last evaluated: 2024-09-22. Review status: criteria provided, single submitter. Criteria: ACMG Guidelines, 2015. Collection method: clinical testing. Allele origin: germline.

All of Us Research Program, National Institutes of Health
Classification: Uncertain significance for Marfan syndrome. Last evaluated: 2024-05-30. Review status: criteria provided, single submitter. Criteria: ACMG Guidelines, 2015. Collection method: clinical testing. Allele origin: germline. Inheritance: Autosomal dominant inheritance. Observed: 22 variant alleles, 22 heterozygotes.
Comment: This missense variant replaces arginine with histidine at codon 62 of the FBN1 protein. Computational prediction tools indicate that this variant's impact on protein structure and function is inconclusive. To our knowledge, functional studies have not been reported for this variant. This variant has been reported in two individuals affected with thoracic aortic aneurysm and aortic dissection (PMID: 26621581, 29357934 ) as well as in one healthy individual (PMID: 28659821). This variant has been identified in 15/280762 chromosomes in the general population by the Genome Aggregation Database (gnomAD). The elevated variant allele frequency in the general population indicates that this variant may not be disease-causing. However, additional studies are necessary to determine the role of this variant in disease conclusively. Therefore, this variant is classified as a Variant of Uncertain Significance.

This study involves interpretation of variants in research participants for the purpose of population health screening. Participant phenotype was not available at the time of variant classification. Additional details can be found in publication PMID: 35346344, PMCID: PMC8962531

Color Diagnostics, LLC DBA Color Health
Classification: Uncertain significance for Familial thoracic aortic aneurysm and aortic dissection. Last evaluated: 2024-03-21. Review status: criteria provided, single submitter. Criteria: ACMG Guidelines, 2015. Collection method: clinical testing. Allele origin: germline.
Comment: This missense variant replaces arginine with histidine at codon 62 of the FBN1 protein. Computational prediction tools indicate that this variant's impact on protein structure and function is inconclusive. To our knowledge, functional studies have not been reported for this variant. This variant has been reported in two individuals affected with thoracic aortic aneurysm and aortic dissection (PMID: 26621581, 29357934 ) as well as in one healthy individual (PMID: 28659821). This variant has been identified in 15/280762 chromosomes in the general population by the Genome Aggregation Database (gnomAD). The elevated variant allele frequency in the general population indicates that this variant may not be disease-causing. However, additional studies are necessary to determine the role of this variant in disease conclusively. Therefore, this variant is classified as a Variant of Uncertain Significance.

Women's Health and Genetics/Laboratory Corporation of America, LabCorp
Classification: Uncertain significance. Last evaluated: 2023-08-14. Review status: criteria provided, single submitter. Criteria: LabCorp Variant Classification Summary - May 2015. Collection method: clinical testing. Allele origin: germline.
Comment: Variant summary: FBN1 c.185G>A (p.Arg62His) results in a non-conservative amino acid change in the encoded protein sequence. Five of five in-silico tools predict a damaging effect of the variant on protein function. The variant allele was found at a frequency of 6e-05 in 249738 control chromosomes (gnomAD). This frequency is not significantly higher than estimated for a pathogenic variant in FBN1 causing Marfan Syndrome (6e-05 vs 0.00011), allowing no conclusion about variant significance. c.185G>A has been reported in the literature in individuals affected with Marfan Syndrome (Lerner-Ellis_2014), isolated Thoracic Aneurism (Becerra-Munoz_2018; Regalado_2016) as well as in healthy individual without any cardiac abnormalities (Gillis_2017). These data do not allow any conclusion about variant significance. To our knowledge, no experimental evidence demonstrating an impact on protein function has been reported. The following publications have been ascertained in the context of this evaluation (PMID: 24793577, 26621581, 29357934, 28659821). Nine submitters have cited clinical-significance assessments for this variant to ClinVar after 2014, and classified it as uncertain significance (n=7), likely benign (n=1), or pathogenic (n=1). Based on the evidence outlined above, the variant was classified as uncertain significance.

Laboratory for Molecular Medicine, Mass General Brigham Personalized Medicine
Classification: Uncertain significance. Last evaluated: 2022-11-03. Review status: criteria provided, single submitter. Criteria: ACMG Guidelines, 2015. Collection method: clinical testing. Allele origin: germline.
Comment: The p.Arg62His variant in FBN1 has been identified in 1 individual with features of Marfan syndrome and 2 individuals with aortic aneurysm or dissection (Regalado 2016, Becerra-Muñoz 2018, LMM data). It has also been identified in 0.016% (4/24662) of African chromosomes by Genome Aggregation Databse. Arginine (Arg) at position 62 is not conserved in mammals or evolutionarily distant species and 6 mammals (marmoset, prairie vole, naked mole rat, guinea pig, chinchilla, brush tailed rat) carry a Histidine (His) at this position despite high nearby amino acid conservation, suggesting that this change may be tolerated. In summary, while the clinical significance of the p.Arg62His variant is uncertain, these data suggest that it is more likely to be benign. ACMG/AMP Criteria applied: BP4_Strong, PS4_Supporting.

Mendelics
Classification: Uncertain significance. Last evaluated: 2022-05-04. Review status: criteria provided, single submitter. Criteria: Mendelics Assertion Criteria 2019. Collection method: clinical testing. Allele origin: germline.

Department of Genetics, Sultan Qaboos University Hospital
Classification: Uncertain significance for Marfan syndrome. Last evaluated: 2017-12-30. Review status: criteria provided, single submitter. Criteria: ACMG Guidelines, 2015. Collection method: curation. Allele origin: unknown. Affected: yes.

ARUP Laboratories, Molecular Genetics and Genomics, ARUP Laboratories
Classification: Uncertain significance. Last evaluated: 2017-08-28. Review status: criteria provided, single submitter. Criteria: ARUP Molecular Germline Variant Investigation Process. Collection method: clinical testing. Allele origin: germline.

University of Washington Center for Mendelian Genomics, University of Washington
Classification: Uncertain significance for Familial thoracic aortic aneurysms; Acute aortic dissections. Last evaluated: 2016-01-20. Review status: no assertion criteria provided. Collection method: research. Allele origin: unknown. Affected: yes. Not counted in ClinVar's aggregate classification.

Literature cited by the submitters: PubMed 24793577 (cited by 3 submitters); PubMed 26621581 (cited by 6 submitters); PubMed 28659821 (cited by 3 submitters); PubMed 29357934 (cited by 4 submitters).